The following is an entry in ClinVar:

NM_004793.4(LONP1):c.584A>G (p.His195Arg)

Gene: LONP1 (lon peptidase 1, mitochondrial; minus strand). Cytogenetic location: 19p13.3.
Variant type: single nucleotide variant.
Coding change: c.584A>G on transcript NM_004793.4 (MANE Select); coding-DNA position 584, A replaced by G.
Protein change: p.His195Arg; replaces histidine 195 with arginine.
Molecular consequence: missense variant. On other transcripts: 5 prime UTR variant (1), non-coding transcript variant (1).
Genome position (GRCh38, 1-based): chr19:5,713,188, T>C on the plus strand (A>G on the coding strand, the complement: LONP1 is on the minus strand). VCF-style: chr19-5713188-T-C. GRCh37 (hg19) VCF-style: chr19-5713199-T-C.
Other names: c.392A>G, p.His131Arg (NM_001276479.2); c.-5A>G (NM_001276480.1); short protein forms H131R, H195R.
Identifiers: ClinVar variation 2965385 (VCV002965385.3), dbSNP rs751079694, ClinGen allele CA9115064.

ClinVar aggregate classification (germline): Uncertain significance (1 of 4 stars; one submission).

Allele frequency attached by ClinVar (database versions not stated): ExAC 0.00001; gnomAD exomes 0.00002.
gnomAD v4.1: 25 of 1,614,048 alleles (0.0015%); highest among the groups gnomAD compares: East Asian, 0.0022%; no homozygotes.

Submission:

Labcorp Genetics (formerly Invitae), Labcorp
Classification: Uncertain significance. Last evaluated: 2023-03-08. Review status: criteria provided, single submitter. Criteria: Invitae Variant Classification Sherloc (09022015). Collection method: clinical testing. Allele origin: germline.
Comment: This sequence change replaces histidine, which is basic and polar, with arginine, which is basic and polar, at codon 195 of the LONP1 protein (p.His195Arg). This variant is present in population databases (rs751079694, gnomAD 0.006%). This variant has not been reported in the literature in individuals affected with LONP1-related conditions. Advanced modeling of protein sequence and biophysical properties (such as structural, functional, and spatial information, amino acid conservation, physicochemical variation, residue mobility, and thermodynamic stability) performed at Invitae indicates that this missense variant is not expected to disrupt LONP1 protein function. In summary, the available evidence is currently insufficient to determine the role of this variant in disease. Therefore, it has been classified as a Variant of Uncertain Significance.